The following is an entry in ClinVar:

ClinVar aggregate classification (germline): Pathogenic. Review status: reviewed by expert panel (3 of 4 stars). 7 submissions from 7 submitters: Pathogenic (1). 6 of the submissions do not count toward it. Last evaluated 2019-06-18.

Conditions:
Hereditary cancer-predisposing syndrome. Also called: Hereditary Cancer Syndrome; Hereditary neoplastic syndrome; Neoplastic Syndromes, Hereditary; Tumor predisposition. Identifiers: Orphanet 140162, MedGen C0027672, MeSH D009386, MONDO:0015356.
Hereditary breast ovarian cancer syndrome. Also called: BRCA1- and BRCA2-Associated Hereditary Breast and Ovarian Cancer; Hereditary breast and ovarian cancer syndrome; Hereditary breast and ovarian cancer syndrome (HBOC); Breast and ovarian cancer; Hereditary breast and/or ovarian cancer syndrome; Hereditary breast and ovarian cancer. Identifiers: Orphanet 145, MedGen C0677776, MeSH D061325, MONDO:0003582. Disease mechanism: loss of function.
Breast-ovarian cancer, familial, susceptibility to, 1 (BROVCA1). Also called: BRCA1 Hereditary Breast and Ovarian Cancer; OVARIAN CANCER, SUSCEPTIBILITY TO. Identifiers: Orphanet 145, MedGen C2676676, MONDO:0011450, OMIM 604370. Disease mechanism: loss of function.

Allele frequency attached by ClinVar (database versions not stated): gnomAD exomes below 0.00001.
gnomAD v4.1: 1 of 1,611,870 alleles (0.000062%); highest among the groups gnomAD compares: East Asian, 0.0022%; no homozygotes.

Submissions (8):

Evidence-based Network for the Interpretation of Germline Mutant Alleles (ENIGMA)
Classification: Pathogenic for Breast-ovarian cancer, familial, susceptibility to, 1. Last evaluated: 2019-06-18. Review status: reviewed by expert panel. Criteria: ENIGMA BRCA1/2 Classification Criteria (2017-06-29). Collection method: curation. Allele origin: germline.
Comment: IARC class based on posterior probability from multifactorial likelihood analysis, thresholds for class as per Plon et al. 2008 (PMID: 18951446). Class 5 based on posterior probability = 0.996447

Labcorp Genetics (formerly Invitae), Labcorp
Classification: Pathogenic for Hereditary breast ovarian cancer syndrome. Last evaluated: 2024-09-12. Review status: criteria provided, single submitter. Criteria: Invitae Variant Classification Sherloc (09022015). Collection method: clinical testing. Allele origin: germline. Not counted in ClinVar's aggregate classification.
Comment: This sequence change falls in intron 2 of the BRCA1 gene. It does not directly change the encoded amino acid sequence of the BRCA1 protein. RNA analysis indicates that this variant induces altered splicing and may result in an absent or altered protein product. This variant is present in population databases (rs80358127, gnomAD 0.006%). This variant has been observed in individual(s) with breast cancer (PMID: 18704682). This variant is also known as IVS2-9C>G. ClinVar contains an entry for this variant (Variation ID: 55719). Based on a multifactorial likelihood algorithm using genetic, in silico, and/or statistical data, this variant has been determined to have a high probability of being pathogenic (PMID: 30415210). Experimental studies have shown that this variant affects BRCA1 function (PMID: 30209399). Studies have shown that this variant results in aberrant mRNA splicing, and produces a non-functional protein and/or introduces a premature termination codon (PMID: 20614180, 23893897, 30209399). For these reasons, this variant has been classified as Pathogenic.

Baylor Genetics
Classification: Pathogenic for Breast-ovarian cancer, familial, susceptibility to, 1. Last evaluated: 2022-11-10. Review status: criteria provided, single submitter. Criteria: ACMG Guidelines, 2015. Collection method: clinical testing. Allele origin: unknown. Not counted in ClinVar's aggregate classification.

Ambry Genetics
Classification: Pathogenic for Hereditary cancer-predisposing syndrome. Last evaluated: 2019-04-19. Review status: criteria provided, single submitter. Criteria: Ambry Variant Classification Scheme 2023. Collection method: clinical testing. Allele origin: germline. Not counted in ClinVar's aggregate classification.
Comment: The c.81-9C>G intronic pathogenic mutation results from a C to G substitution 9 nucleotides upstream from coding exon 2 in the BRCA1 gene. This nucleotide position is poorly conserved in available vertebrate species, however, thymidine is the only other observed alternate nucleotide. Using the BDGP and ESEfinder splice site prediction tools predicts a weakening in the native splice acceptor site efficiency and the creation of a new alternate splice acceptor site 8 nucleotides upstream from the native. RNA studies have confirmed this cryptic splice site is used resulting in abnormal splicing in the set of samples tested (Ambry internal data; Joosse SA et al. Breast Cancer Res. Treat., 2012 Apr;132:379-89). In addition, this alteration was shown to be functionally deleterious in a high-throughput haploid cell survival assay (Findlay GM et al. Nature, 2018 10;562:217-222). Based on the majority of evidence available to date, this alteration is interpreted as a disease-causing mutation.

Breast Cancer Information Core (BIC) (BRCA1)
Classification: Uncertain significance for Breast-ovarian cancer, familial 1. Last evaluated: 2002-06-20. Review status: no assertion criteria provided. Collection method: clinical testing. Allele origin: germline. Affected: yes. Observed: 4 variant alleles. Not counted in ClinVar's aggregate classification.

Brotman Baty Institute, University of Washington
No classification provided (evidence only). Condition: Breast-ovarian cancer, familial 1. Review status: no classification provided. Collection method: in vitro. Allele origin: not applicable. Functional consequence: functionally_abnormal. Not counted in ClinVar's aggregate classification.
ClinVar note: "not provided" was previously submitted as the classification for the variant. However, the classification appeared to be based only on an observation of functional data so it was converted to no classification on 2025-07-30.

Clinical Genetics Laboratory, Department of Pathology, Netherlands Cancer Institute
Classification: Pathogenic. Review status: no assertion criteria provided. Collection method: clinical testing. Allele origin: germline. Affected: yes. Study: VKGL Data-share Consensus. Not counted in ClinVar's aggregate classification.

Diagnostic Laboratory, Department of Genetics, University Medical Center Groningen
Classification: Pathogenic. Review status: no assertion criteria provided. Collection method: clinical testing. Allele origin: germline. Affected: yes. Study: VKGL Data-share Consensus. Not counted in ClinVar's aggregate classification.

Literature cited by the submitters: PubMed 31131967 (cited by Evidence-based Network for the Interpretation of Germline Mutant Alleles (ENIGMA)); PubMed 18704682 (cited by Labcorp Genetics (formerly Invitae), Labcorp and Ambry Genetics); PubMed 30415210 (cited by Labcorp Genetics (formerly Invitae), Labcorp and Ambry Genetics); PubMed 30209399 (cited by Labcorp Genetics (formerly Invitae), Labcorp and Ambry Genetics); PubMed 20614180 (cited by Labcorp Genetics (formerly Invitae), Labcorp and Ambry Genetics); PubMed 23893897 (cited by Labcorp Genetics (formerly Invitae), Labcorp).

NM_007294.4(BRCA1):c.81-9C>G

Gene: BRCA1 (BRCA1 DNA repair associated; minus strand). Cytogenetic location: 17q21.31.
Variant type: single nucleotide variant.
Coding change: c.81-9C>G on transcript NM_007294.4 (MANE Select); 9 bases into the intron before coding-DNA position 81, C replaced by G.
Molecular consequence: intron variant.
Genome position (GRCh38, 1-based): chr17:43,115,788, G>C on the plus strand (C>G on the coding strand, the complement: BRCA1 is on the minus strand). VCF-style: chr17-43115788-G-C. GRCh37 (hg19) VCF-style: chr17-41267805-G-C.
Other names: IVS2-9C>G; c.-61-9C>G (NM_001408458.1, NM_001408470.1, NM_001407848.1 and 47 more transcripts); c.-219+9489C>G (NM_001407967.1); c.-170+9489C>G (NM_001407959.1); c.-7-9255C>G (NM_001407931.1, NM_001407747.1, NM_001408511.1 and 2 more transcripts); c.-223-9C>G (NM_001407962.1, NM_001408512.1, NM_001408510.1 and 1 more transcripts); c.-108-9C>G (NM_001407885.1, NM_001407886.1, NM_001408509.1 and 52 more transcripts); c.-177-9C>G (NM_001407746.1, NM_001408468.1, NM_001407842.1 and 13 more transcripts); and 11 more.
Identifiers: ClinVar variation 55719 (VCV000055719.24), dbSNP rs80358127, ClinGen allele CA003917.
Genomic context (GRCh38, chr17:43,115,788, plus strand): 5'-GCAAAATATGTGGTCACACTTTGTGGAGACAGGTTCCTTGATCAACTCCAGACTAGCAGG[G>C]TAGGGGGGGAGAAAAAGAAAATAAATGAGGCTCAATAATTTATTTAAAAATAAAGCTATT-3'